The following is an entry in ClinVar:

NM_025074.7(FRAS1):c.4969+9A>C

Gene: FRAS1 (Fraser extracellular matrix complex subunit 1; plus strand). Cytogenetic location: 4q21.21.
Variant type: single nucleotide variant.
Coding change: c.4969+9A>C on transcript NM_025074.7 (MANE Select); 9 bases into the intron after coding-DNA position 4969, A replaced by C.
Molecular consequence: intron variant.
Genome position (GRCh38, 1-based): chr4:78,430,426, A>C. VCF-style: chr4-78430426-A-C. GRCh37 (hg19) VCF-style: chr4-79351580-A-C.
Other names: c.4969+9A>C (NM_001166133.2).
Identifiers: ClinVar variation 706216 (VCV000706216.14), dbSNP rs147019759, ClinGen allele CA2977374.

ClinVar aggregate classification (germline): Benign/Likely benign. Review status: criteria provided, multiple submitters, no conflicts (2 of 4 stars). 4 submissions from 4 submitters: Benign (2); Likely benign (1). 1 of the submissions does not count toward it. Last evaluated 2026-01-26.

Conditions:
FRAS1-related disorder. Also called: FRAS1-related condition.
Fraser syndrome 1 (FRASRS1). Also called: CRYPTOPHTHALMOS WITH OTHER MALFORMATIONS. Identifiers: Orphanet 2052, MedGen C4551480, MONDO:0054737, OMIM 219000.

Allele frequency attached by ClinVar (database versions not stated): gnomAD exomes 0.00016 and 0.00047; ExAC 0.00056; ESP Exome Variant Server 0.00171; 1000 Genomes Project 0.00180; gnomAD 0.00200 and 0.00213; 1000 Genomes Project 30x 0.00219; TOPMed 0.00231.
gnomAD v4.1: 541 of 1,608,446 alleles (0.034%); highest among the groups gnomAD compares: African/African-American, 0.66%; 2 homozygotes.

Submissions (4):

Labcorp Genetics (formerly Invitae), Labcorp
Classification: Benign. Last evaluated: 2026-01-26. Review status: criteria provided, single submitter. Criteria: Invitae Variant Classification Sherloc (09022015). Collection method: clinical testing. Allele origin: germline.

Blueprint Genetics
Classification: Likely benign. Last evaluated: 2024-11-01. Review status: criteria provided, single submitter. Criteria: ACMG Guidelines, 2015. Collection method: clinical testing. Allele origin: germline.

Fulgent Genetics
Classification: Benign for Fraser syndrome 1. Last evaluated: 2021-07-26. Review status: criteria provided, single submitter. Criteria: ACMG Guidelines, 2015. Collection method: clinical testing. Allele origin: unknown.

PreventionGenetics, part of Exact Sciences
Classification: Likely benign for FRAS1-related condition. Last evaluated: 2019-05-22. Review status: no assertion criteria provided. Collection method: clinical testing. Allele origin: germline. Not counted in ClinVar's aggregate classification.
Comment: This variant is classified as likely benign based on ACMG/AMP sequence variant interpretation guidelines (Richards et al. 2015 PMID: 25741868, with internal and published modifications).